The following is an entry in ClinVar:

ClinVar aggregate classification (germline): Uncertain significance (1 of 4 stars; one submission).

Conditions:
Hereditary sensory and autonomic neuropathy type 7. Also called: Neuropathy, hereditary sensory and autonomic, type VII; HSAN VII. Identifiers: Orphanet 391397, MedGen C3809882, MONDO:0014244, OMIM 615548.
Familial episodic pain syndrome with predominantly lower limb involvement. Also called: Episodic pain syndrome, familial, 3. Identifiers: Orphanet 391384, Orphanet 391392, MedGen C3809899, MONDO:0014247, OMIM 615552.

Allele frequency attached by ClinVar (database versions not stated): gnomAD 0.00001; TOPMed 0.00001; ExAC 0.00002; gnomAD exomes 0.00002; 1000 Genomes Project 30x 0.00016; 1000 Genomes Project 0.00020.
gnomAD v4.1: 14 of 1,613,974 alleles (0.00087%); highest among the groups gnomAD compares: African/African-American, 0.0053%; no homozygotes.

Submission:

Labcorp Genetics (formerly Invitae), Labcorp
Classification: Uncertain significance for Familial episodic pain syndrome with predominantly lower limb involvement; Hereditary sensory and autonomic neuropathy type 7. Last evaluated: 2024-10-12. Review status: criteria provided, single submitter. Criteria: Invitae Variant Classification Sherloc (09022015). Collection method: clinical testing. Allele origin: germline.
Comment: This sequence change replaces glycine, which is neutral and non-polar, with serine, which is neutral and polar, at codon 695 of the SCN11A protein (p.Gly695Ser). This variant is present in population databases (rs553388188, gnomAD 0.007%). This variant has not been reported in the literature in individuals affected with SCN11A-related conditions. ClinVar contains an entry for this variant (Variation ID: 541579). Invitae Evidence Modeling of protein sequence and biophysical properties (such as structural, functional, and spatial information, amino acid conservation, physicochemical variation, residue mobility, and thermodynamic stability) indicates that this missense variant is not expected to disrupt SCN11A protein function with a negative predictive value of 80%. In summary, the available evidence is currently insufficient to determine the role of this variant in disease. Therefore, it has been classified as a Variant of Uncertain Significance.

NM_001349253.2(SCN11A):c.2083G>A (p.Gly695Ser)

Gene: SCN11A (sodium voltage-gated channel alpha subunit 11; minus strand). Cytogenetic location: 3p22.2.
Variant type: single nucleotide variant.
Coding change: c.2083G>A on transcript NM_001349253.2 (MANE Select); coding-DNA position 2083, G replaced by A.
Protein change: p.Gly695Ser; replaces glycine 695 with serine.
Molecular consequence: missense variant.
Genome position (GRCh38, 1-based): chr3:38,897,165, C>T on the plus strand (G>A on the coding strand, the complement: SCN11A is on the minus strand). VCF-style: chr3-38897165-C-T. GRCh37 (hg19) VCF-style: chr3-38938656-C-T.
Other names: c.2083G>A, p.Gly695Ser (NM_014139.3); short protein forms G695S.
Identifiers: ClinVar variation 541579 (VCV000541579.6), dbSNP rs553388188, ClinGen allele CA2322133.